The following is an entry in ClinVar:

ClinVar aggregate classification (germline): Uncertain significance (1 of 4 stars; one submission).

Conditions:
Hereditary cancer-predisposing syndrome. Also called: Tumor predisposition; Neoplastic Syndromes, Hereditary; Hereditary neoplastic syndrome; Hereditary Cancer Syndrome. Identifiers: Orphanet 140162, MedGen C0027672, MeSH D009386, MONDO:0015356.

Submission:

Ambry Genetics
Classification: Uncertain significance for Hereditary cancer-predisposing syndrome. Last evaluated: 2025-08-27. Review status: criteria provided, single submitter. Criteria: Ambry Variant Classification Scheme 2023. Collection method: clinical testing. Allele origin: germline.
Comment: The p.V528A variant (also known as c.1583T>C), located in coding exon 16 of the MUTYH gene, results from a T to C substitution at nucleotide position 1583. The valine at codon 528 is replaced by alanine, an amino acid with similar properties. This amino acid position is conserved. In addition, the in silico prediction for this alteration is inconclusive. Based on the available evidence, the clinical significance of this variant remains unclear.

NM_001048174.2(MUTYH):c.1499T>C (p.Val500Ala)

Gene: MUTYH (mutY DNA glycosylase; minus strand). Cytogenetic location: 1p34.1.
Variant type: single nucleotide variant.
Coding change: c.1499T>C on transcript NM_001048174.2 (MANE Select); coding-DNA position 1499, T replaced by C.
Protein change: p.Val500Ala; replaces valine 500 with alanine.
Molecular consequence: missense variant. On other transcripts: non-coding transcript variant (7).
Genome position (GRCh38, 1-based): chr1:45,329,373, A>G on the plus strand (T>C on the coding strand, the complement: MUTYH is on the minus strand). VCF-style: chr1-45329373-A-G. GRCh37 (hg19) VCF-style: chr1-45795045-A-G.
Other names: c.1499T>C, p.Val500Ala (NM_001048171.2, NM_001048173.2, NM_001293195.2 and 6 more transcripts); c.1502T>C, p.Val501Ala (NM_001048172.2, NM_001407078.1, NM_001407086.1 and 1 more transcripts); c.1583T>C, p.Val528Ala (NM_001128425.2); c.1544T>C, p.Val515Ala (NM_001293190.2); c.1532T>C, p.Val511Ala (NM_001293191.2, NM_001407069.1, NM_001407077.1); c.1223T>C, p.Val408Ala (NM_001293192.2, NM_001407091.1, NM_001293196.2); c.1460T>C, p.Val487Ala (NM_001407079.1); c.1457T>C, p.Val486Ala (NM_001407080.1); and 5 more; short protein forms V472A, V486A, V507A, V514A, V515A, V487A, V500A, V501A.
Identifiers: ClinVar variation 4112854 (VCV004112854.1).
Genomic context (GRCh38, chr1:45,329,373, plus strand): 5'-GCTGCACTGTTGAGGCTGTGTGCATCAGTGGAGATGTGAGACCGAAAGAAATTATCCAGG[A>G]CTTGCTGGCCCATGCGGGGCTTTTTCCGACTGCACGGAGAGGACACCTGGGACCTTTTGG-3'
Protein context (NP_001041639.1, residues 490-510): SRKKPRMGQQ[Val500Ala]LDNFFRSHIS